The following is an entry in ClinVar:

ClinVar aggregate classification (germline): Pathogenic/Likely pathogenic. Review status: criteria provided, multiple submitters, no conflicts (2 of 4 stars). 2 submissions from 2 submitters: Pathogenic (1); Likely pathogenic (1). Last evaluated 2025-12-09.

Conditions:
Hereditary cancer-predisposing syndrome. Also called: Hereditary Cancer Syndrome; Hereditary neoplastic syndrome; Neoplastic Syndromes, Hereditary; Tumor predisposition. Identifiers: Orphanet 140162, MedGen C0027672, MeSH D009386, MONDO:0015356.
Birt-Hogg-Dube syndrome 1 (BHD1). Also called: FIBROFOLLICULOMAS WITH TRICHODISCOMAS AND ACROCHORDONS. Identifiers: Orphanet 122, MedGen CN375946, MONDO:0800445, OMIM 135150.

gnomAD v4.1: 1 of 1,613,424 alleles (0.000062%); highest among the groups gnomAD compares: South Asian, 0.0011%; no homozygotes.

Submissions (2):

Myriad Genetics, Inc.
Classification: Likely pathogenic for Birt-Hogg-Dube syndrome 1. Last evaluated: 2025-12-09. Review status: criteria provided, single submitter. Criteria: Myriad Autosomal Dominant, Autosomal Recessive and X-Linked Classification Criteria (2023). Collection method: clinical testing. Allele origin: unknown.
Comment: This variant is considered likely pathogenic. mRNA analysis has demonstrated abnormal mRNA splicing occurs [PMID: 17124507]. This variant has been reported in multiple individuals with clinical features of gene-specific disease [PMID: 17124507, 31958439, 19850877].

Ambry Genetics
Classification: Pathogenic for Hereditary cancer-predisposing syndrome. Last evaluated: 2023-07-26. Review status: criteria provided, single submitter. Criteria: Ambry Variant Classification Scheme 2023. Collection method: clinical testing. Allele origin: germline.
Comment: The c.1300G>C pathogenic mutation (also known as p.E434Q), located in coding exon 8 of the FLCN gene, results from a G to C substitution at nucleotide position 1300. The amino acid change results in glutamic acid to glutamine at codon 434, an amino acid with highly similar properties. In silico splice site analysis predicts that this alteration may weaken the native splice donor site. RNA studies have demonstrated that this alteration results in abnormal splicing in the set of samples tested (Ambry internal data). This alteration has been reported in multiple individuals with fibrofolliculomas and/or renal tumors (Ambry internal data; van Steensel MA et al. J. Invest. Dermatol., 2007 Mar;127:588-93; Toro JR et al. J. Med. Genet., 2008 Jun;45:321-31). Based on the supporting evidence, this alteration is interpreted as a disease-causing mutation.

Literature cited by the submitters: PubMed 17124507 (cited by Myriad Genetics, Inc. and Ambry Genetics); PubMed 31958439 (cited by Myriad Genetics, Inc.); PubMed 19850877 (cited by Myriad Genetics, Inc. and Ambry Genetics); PubMed 18234728 (cited by Ambry Genetics); PubMed 28869776 (cited by Ambry Genetics).

NM_144997.7(FLCN):c.1300G>C (p.Glu434Gln)

Gene: FLCN (folliculin; minus strand). Cytogenetic location: 17p11.2.
Variant type: single nucleotide variant.
Coding change: c.1300G>C on transcript NM_144997.7 (MANE Select); coding-DNA position 1300, G replaced by C.
Protein change: p.Glu434Gln; replaces glutamic acid 434 with glutamine.
Molecular consequence: missense variant.
Genome position (GRCh38, 1-based): chr17:17,216,380, C>G on the plus strand (G>C on the coding strand, the complement: FLCN is on the minus strand). VCF-style: chr17-17216380-C-G. GRCh37 (hg19) VCF-style: chr17-17119694-C-G.
Other names: c.1354G>C, p.Glu452Gln (NM_001353229.2); c.1300G>C, p.Glu434Gln (NM_001353230.2, NM_001353231.2); short protein forms E434Q, E452Q.
Identifiers: ClinVar variation 1769406 (VCV001769406.5), dbSNP rs1266098984, ClinGen allele CA398531572.
Genomic context (GRCh38, chr17:17,216,380, plus strand): 5'-GCCTGAGGCGTGGGGAACCTCAGCGCAGGGCATGGCCCCACAGCCCGCGGGGGCACGCAC[C>G]TGAGGAGAGCACGTGGGGGGGGATCTGCACGTGCGGGCTGAGCCCCAGGAAGTTGCACCG-3'
Protein context (NP_659434.2, residues 424-444): VQIPPHVLSS[Glu434Gln]FAVIVEVHAA